The following is an entry in ClinVar:

ClinVar aggregate classification (germline): Uncertain significance (1 of 4 stars; one submission).

Conditions:
Kabuki syndrome. Also called: NIIKAWA-KUROKI SYNDROME; Kabuki make-up syndrome. Identifiers: Orphanet 2322, MedGen C0796004, MONDO:0016512.

gnomAD v4.1: 1 of 1,613,894 alleles (0.000062%); highest among the groups gnomAD compares: South Asian, 0.0011%; no homozygotes.

Submission:

Labcorp Genetics (formerly Invitae), Labcorp
Classification: Uncertain significance for Kabuki syndrome. Last evaluated: 2025-06-10. Review status: criteria provided, single submitter. Criteria: Invitae Variant Classification Sherloc (09022015). Collection method: clinical testing. Allele origin: germline.
Comment: This sequence change replaces proline, which is neutral and non-polar, with leucine, which is neutral and non-polar, at codon 5325 of the KMT2D protein (p.Pro5325Leu). This variant is not present in population databases (gnomAD no frequency). This variant has not been reported in the literature in individuals affected with KMT2D-related conditions. Invitae Evidence Modeling of protein sequence and biophysical properties (such as structural, functional, and spatial information, amino acid conservation, physicochemical variation, residue mobility, and thermodynamic stability) indicates that this missense variant is expected to disrupt KMT2D protein function with a positive predictive value of 95%. In summary, the available evidence is currently insufficient to determine the role of this variant in disease. Therefore, it has been classified as a Variant of Uncertain Significance.

NM_003482.4(KMT2D):c.15974C>T (p.Pro5325Leu)

Gene: KMT2D (lysine methyltransferase 2D; minus strand). Cytogenetic location: 12q13.12.
Variant type: single nucleotide variant.
Coding change: c.15974C>T on transcript NM_003482.4 (MANE Select); coding-DNA position 15974, C replaced by T.
Protein change: p.Pro5325Leu; replaces proline 5325 with leucine.
Molecular consequence: missense variant.
Genome position (GRCh38, 1-based): chr12:49,024,656, G>A on the plus strand (C>T on the coding strand, the complement: KMT2D is on the minus strand). VCF-style: chr12-49024656-G-A. GRCh37 (hg19) VCF-style: chr12-49418439-G-A.
Other names: short protein forms P5325L.
Identifiers: ClinVar variation 4691234 (VCV004691234.1).